The following is an entry in ClinVar:

NM_002900.3(RBP3):c.965T>G (p.Leu322Arg)

Gene: RBP3 (retinol binding protein 3; plus strand). Cytogenetic location: 10q11.22.
Variant type: single nucleotide variant.
Coding change: c.965T>G on transcript NM_002900.3 (MANE Select); coding-DNA position 965, T replaced by G.
Protein change: p.Leu322Arg; replaces leucine 322 with arginine.
Molecular consequence: missense variant.
Genome position (GRCh38, 1-based): chr10:47,349,449, T>G. VCF-style: chr10-47349449-T-G. GRCh37 (hg19) VCF-style: chr10-48389913-A-C.
Other names: short protein forms L322R.
Identifiers: ClinVar variation 1441683 (VCV001441683.6), dbSNP rs1328781552, ClinGen allele CA376667395.
Genomic context (GRCh38, chr10:47,349,449, plus strand): 5'-TGCCCTGTGTGGGGACTCCGGCCGAGCAGGCCCTGGAGAAAGCCCTGGCCATCCTCACTC[T>G]GCGCAGCGCCCTTCCAGGGGTAGTCCACTGCCTCCAGGAGGTCCTGAAGGACTACTACAC-3'
Protein context (NP_002891.1, residues 312-332): ALEKALAILT[Leu322Arg]RSALPGVVHC

ClinVar aggregate classification (germline): Uncertain significance (1 of 4 stars; one submission).

Allele frequency attached by ClinVar (database versions not stated): gnomAD exomes below 0.00001 and 0.00002; gnomAD 0.00002 and 0.00003; TOPMed 0.00002.
gnomAD v4.1: 25 of 1,612,412 alleles (0.0016%); highest among the groups gnomAD compares: Non-Finnish European, 0.002%; no homozygotes.

Submission:

Labcorp Genetics (formerly Invitae), Labcorp
Classification: Uncertain significance. Last evaluated: 2021-11-25. Review status: criteria provided, single submitter. Criteria: Invitae Variant Classification Sherloc (09022015). Collection method: clinical testing. Allele origin: germline.
Comment: This variant is present in population databases (no rsID available, gnomAD 0.002%). This sequence change replaces leucine, which is neutral and non-polar, with arginine, which is basic and polar, at codon 322 of the RBP3 protein (p.Leu322Arg). This variant has not been reported in the literature in individuals affected with RBP3-related conditions. In summary, the available evidence is currently insufficient to determine the role of this variant in disease. Therefore, it has been classified as a Variant of Uncertain Significance. Algorithms developed to predict the effect of missense changes on protein structure and function are either unavailable or do not agree on the potential impact of this missense change (SIFT: "Deleterious"; PolyPhen-2: "Probably Damaging"; Align-GVGD: "Class C0").